The following is an entry in ClinVar:

NM_001999.4(FBN2):c.3713A>T (p.Gln1238Leu)

Gene: FBN2 (fibrillin 2; minus strand). Cytogenetic location: 5q23.3.
Variant type: single nucleotide variant.
Coding change: c.3713A>T on transcript NM_001999.4 (MANE Select); coding-DNA position 3713, A replaced by T.
Protein change: p.Gln1238Leu; replaces glutamine 1238 with leucine.
Molecular consequence: missense variant.
Genome position (GRCh38, 1-based): chr5:128,335,999, T>A on the plus strand (A>T on the coding strand, the complement: FBN2 is on the minus strand). VCF-style: chr5-128335999-T-A. GRCh37 (hg19) VCF-style: chr5-127671691-T-A.
Other names: c.3713A>T (NM_001999.3); short protein forms Q1238L.
Identifiers: ClinVar variation 2818679 (VCV002818679.4), dbSNP rs2479803301, ClinGen allele CA360758203.

ClinVar aggregate classification (germline): Uncertain significance. Review status: criteria provided, multiple submitters, no conflicts (2 of 4 stars). 2 submissions from 2 submitters: Uncertain significance (2). Last evaluated 2024-10-27.

Conditions:
Familial thoracic aortic aneurysm and aortic dissection (TAAD). Also called: Thoracic aortic aneurysms and dissections. Identifiers: Orphanet 91387, MedGen C4707243, MONDO:0019625.
Congenital contractural arachnodactyly (CCA). Also called: Beals-Hecht syndrome; BEALS SYNDROME; Arthrogryposis, distal, type 9. Identifiers: Orphanet 115, MedGen C0220668, MONDO:0007363, OMIM 121050.

Submissions (2):

Ambry Genetics
Classification: Uncertain significance for Familial thoracic aortic aneurysm and aortic dissection. Last evaluated: 2024-10-27. Review status: criteria provided, single submitter. Criteria: Ambry Variant Classification Scheme 2023. Collection method: clinical testing. Allele origin: germline.
Comment: The p.Q1238L variant (also known as c.3713A>T), located in coding exon 28 of the FBN2 gene, results from an A to T substitution at nucleotide position 3713. The glutamine at codon 1238 is replaced by leucine, an amino acid with dissimilar properties. This amino acid position is well conserved in available vertebrate species. In addition, the in silico prediction for this alteration is inconclusive. Based on the available evidence, the clinical significance of this variant remains unclear.

Labcorp Genetics (formerly Invitae), Labcorp
Classification: Uncertain significance for Congenital contractural arachnodactyly. Last evaluated: 2022-12-05. Review status: criteria provided, single submitter. Criteria: Invitae Variant Classification Sherloc (09022015). Collection method: clinical testing. Allele origin: germline.
Comment: In summary, the available evidence is currently insufficient to determine the role of this variant in disease. Therefore, it has been classified as a Variant of Uncertain Significance. Advanced modeling of protein sequence and biophysical properties (such as structural, functional, and spatial information, amino acid conservation, physicochemical variation, residue mobility, and thermodynamic stability) performed at Invitae indicates that this missense variant is not expected to disrupt FBN2 protein function. This variant has not been reported in the literature in individuals affected with FBN2-related conditions. This variant is not present in population databases (gnomAD no frequency). This sequence change replaces glutamine, which is neutral and polar, with leucine, which is neutral and non-polar, at codon 1238 of the FBN2 protein (p.Gln1238Leu).